The following is an entry in ClinVar:

NM_005902.4(SMAD3):c.280_285del (p.Trp94_Pro95del)

Gene: SMAD3 (SMAD family member 3; plus strand). Cytogenetic location: 15q22.33.
Variant type: Deletion.
Coding change: c.280_285del on transcript NM_005902.4 (MANE Select); coding-DNA positions 280 to 285, 6 bases deleted (TGGCCA; older notation c.280_285delTGGCCA).
Protein change: p.Trp94_Pro95del.
Molecular consequence: 5 prime UTR variant (on NM_001145102.2).
Genome position (GRCh38, 1-based): chr15:67,164,968-67,164,973, TGGCCA deleted; deleting any 6 consecutive bases within chr15:67,164,967-67,164,973 gives the same sequence; the c. name uses the placement nearest the transcript's 3' end. VCF-style (leftmost placement, unchanged base first): chr15-67164966-GATGGCC-G. GRCh37 (hg19) VCF-style: chr15-67457304-GATGGCC-G.
Other names: c.-36_-31del (NM_001145102.2, NM_001407015.1, NM_001407016.1); c.148_153del, p.Trp50_Pro51del (NM_001145103.2); c.280_285del, p.Trp94_Pro95del (NM_001407011.1, NM_001407012.1, NM_001407013.1); c.133_138del, p.Trp45_Pro46del (NM_001407014.1).
Identifiers: ClinVar variation 4814161 (VCV004814161.1).
Genomic context (GRCh38, chr15:67,164,966, plus strand): 5'-GCCGGTTGCAGGTGTCCCATCGGAAGGGGCTCCCTCATGTCATCTACTGCCGCCTGTGGC[GATGGCC>G]AGACCTGCACAGCCACCACGAGCTACGGGCCATGGAGCTGTGTGAGTTCGCCTTCAATAT-3'

ClinVar aggregate classification (germline): Uncertain significance (1 of 4 stars; one submission).

Conditions:
Aneurysm-osteoarthritis syndrome. Also called: SMAD3-Related Loeys-Dietz Syndrome; ANEURYSMS-OSTEOARTHRITIS SYNDROME; LOEYS-DIETZ SYNDROME WITH OSTEOARTHRITIS; Loeys-Dietz syndrome, type 1C. Identifiers: Orphanet 284984, MedGen C3151087, MONDO:0013426, OMIM 613795.

Submission:

OLLIN Analises Genomicas, OLLIN
Classification: Uncertain significance for Aneurysm-osteoarthritis syndrome. Last evaluated: 2025-04-17. Review status: criteria provided, single submitter. Criteria: ACMG Guidelines 2015 PMID 25741868. Collection method: clinical testing. Allele origin: germline. Affected: yes. Observed: 1 variant allele.
Comment: The inframe deletion (chr15:67164966GATGGCC>G), located in exon 2 (of 9), is not reported in the gnomAD v4.1 non-UKB or ClinVar databases, nor has it been found in the scientific literature. This variant removes two amino acids without altering the reading frame, but reduces the size of the protein function. According to the currently available evidence, this variant has been classified as of uncertain significance (VUS) (PM2_P, PM4).